The following is an entry in ClinVar:

ClinVar aggregate classification (germline): Uncertain significance (1 of 4 stars; one submission).

gnomAD v4.1: 3 of 1,209,089 alleles (0.00025%); highest among the groups gnomAD compares: African/African-American, 0.0017%; no homozygotes.

Submission:

Labcorp Genetics (formerly Invitae), Labcorp
Classification: Uncertain significance. Last evaluated: 2025-12-01. Review status: criteria provided, single submitter. Criteria: Invitae Variant Classification Sherloc (09022015). Collection method: clinical testing. Allele origin: germline.
Comment: This sequence change replaces valine, which is neutral and non-polar, with leucine, which is neutral and non-polar, at codon 539 of the POLA1 protein (p.Val539Leu). This variant is present in population databases (rs192188948, gnomAD 0.008%), including at least one homozygous and/or hemizygous individual. This variant has not been reported in the literature in individuals affected with POLA1-related conditions. Invitae Evidence Modeling of protein sequence and biophysical properties (such as structural, functional, and spatial information, amino acid conservation, physicochemical variation, residue mobility, and thermodynamic stability) indicates that this missense variant is not expected to disrupt POLA1 protein function with a negative predictive value of 80%. In summary, the available evidence is currently insufficient to determine the role of this variant in disease. Therefore, it has been classified as a Variant of Uncertain Significance.

NM_001330360.2(POLA1):c.1633G>C (p.Val545Leu)

Gene: POLA1 (DNA polymerase alpha 1, catalytic subunit; plus strand). Cytogenetic location: Xp22.11.
Variant type: single nucleotide variant.
Coding change: c.1633G>C on transcript NM_001330360.2 (MANE Select); coding-DNA position 1633, G replaced by C.
Protein change: p.Val545Leu; replaces valine 545 with leucine.
Molecular consequence: missense variant. On other transcripts: non-coding transcript variant (2).
Genome position (GRCh38, 1-based): chrX:24,727,883, G>C. VCF-style: chrX-24727883-G-C. GRCh37 (hg19) VCF-style: chrX-24746000-G-C.
Other names: c.1558G>C, p.Val520Leu (NM_001378303.1); c.1633G>C, p.Val545Leu (NM_001440806.1); c.1615G>C, p.Val539Leu (NM_016937.4); short protein forms V545L, V539L, V520L.
Identifiers: ClinVar variation 4777154 (VCV004777154.1).